The following is an entry in ClinVar:

ClinVar aggregate classification (germline): Uncertain significance. Review status: criteria provided, multiple submitters, no conflicts (2 of 4 stars). 2 submissions from 2 submitters: Uncertain significance (2). Last evaluated 2022-01-21.

Conditions:
Melnick-Fraser syndrome (BOR). Also called: Branchiootorenal Syndrome (BORS); Branchio-oto-renal syndrome; Branchiootorenal syndrome. Identifiers: Orphanet 107, MedGen C0265234, MONDO:0007029.

Allele frequency attached by ClinVar (database versions not stated): gnomAD exomes below 0.00001; ExAC 0.00001; TOPMed 0.00001.
gnomAD v4.1: 1 of 1,613,802 alleles (0.000062%); highest among the groups gnomAD compares: East Asian, 0.0022%; no homozygotes.

Submissions (2):

Labcorp Genetics (formerly Invitae), Labcorp
Classification: Uncertain significance for Melnick-Fraser syndrome. Last evaluated: 2022-01-21. Review status: criteria provided, single submitter. Criteria: Invitae Variant Classification Sherloc (09022015). Collection method: clinical testing. Allele origin: germline.
Comment: In summary, the available evidence is currently insufficient to determine the role of this variant in disease. Therefore, it has been classified as a Variant of Uncertain Significance. Algorithms developed to predict the effect of missense changes on protein structure and function (SIFT, PolyPhen-2, Align-GVGD) all suggest that this variant is likely to be tolerated. This variant has not been reported in the literature in individuals affected with EYA1-related conditions. This variant is present in population databases (rs760811461, gnomAD 0.006%). This sequence change replaces glutamine, which is neutral and polar, with arginine, which is basic and polar, at codon 397 of the EYA1 protein (p.Gln397Arg).

Blueprint Genetics
Classification: Uncertain significance. Last evaluated: 2021-11-16. Review status: criteria provided, single submitter. Criteria: ACMG Guidelines, 2015. Collection method: clinical testing. Allele origin: germline.

NM_000503.6(EYA1):c.1190A>G (p.Gln397Arg)

Gene: EYA1 (EYA transcriptional coactivator and phosphatase 1; minus strand). Cytogenetic location: 8q13.3.
Variant type: single nucleotide variant.
Coding change: c.1190A>G on transcript NM_000503.6 (MANE Select); coding-DNA position 1190, A replaced by G.
Protein change: p.Gln397Arg; replaces glutamine 397 with arginine.
Molecular consequence: missense variant.
Genome position (GRCh38, 1-based): chr8:71,216,974, T>C on the plus strand (A>G on the coding strand, the complement: EYA1 is on the minus strand). VCF-style: chr8-71216974-T-C. GRCh37 (hg19) VCF-style: chr8-72129209-T-C.
Other names: c.1172A>G, p.Gln391Arg (NM_001288574.2, NM_172059.5); c.824A>G, p.Gln275Arg (NM_001288575.2); c.1277A>G, p.Gln426Arg (NM_001370333.1); c.1190A>G, p.Gln397Arg (NM_001370334.1, NM_001370335.1, NM_172058.4); c.1169A>G, p.Gln390Arg (NM_001370336.1); c.1091A>G, p.Gln364Arg (NM_001411797.1, NM_172060.4); short protein forms Q364R, Q390R, Q397R, Q391R, Q426R, Q275R.
Identifiers: ClinVar variation 2136679 (VCV002136679.5), dbSNP rs760811461, ClinGen allele CA4779540.